The following is an entry in ClinVar:

ClinVar aggregate classification (germline): Pathogenic (1 of 4 stars; one submission).

Conditions:
Stickler syndrome type 1 (STL1). Also called: COL2A1-Related Stickler Syndrome; ARTHROOPHTHALMOPATHY, HEREDITARY PROGRESSIVE; STICKLER SYNDROME, MEMBRANOUS VITREOUS TYPE; STICKLER SYNDROME, VITREOUS TYPE 1. Identifiers: Orphanet 828, Orphanet 90653, MedGen C2020284, MONDO:0007160, OMIM 108300.

Submission:

3billion
Classification: Pathogenic for Stickler syndrome type 1. Last evaluated: 2024-10-21. Review status: criteria provided, single submitter. Criteria: ACMG Guidelines, 2015. Collection method: clinical testing. Allele origin: germline. Affected: yes.
Comment: The variant is not observed in the gnomAD v4.1.0 dataset. Predicted Consequence/Location: Canonical splice site: predicted to alter splicing and result in a loss or disruption of normal protein function. Multiple pathogenic loss-of-function variants are reported downstream of the variant. In silico tools predict the variant to alter splicing and produce an abnormal transcript [SpliceAI: 1.00 (spliceogenicity >=0.2, non-spliceogenicity <0.1)]. The variant has been reported to be associated with COL2A1 related disorder (3billion dataset). Therefore, this variant is classified as Pathogenic according to the recommendation of ACMG/AMP guideline.

NM_001844.5(COL2A1):c.3597+1del

Gene: COL2A1 (collagen type II alpha 1 chain; minus strand). Cytogenetic location: 12q13.11.
Variant type: Deletion.
Coding change: c.3597+1del on transcript NM_001844.5 (MANE Select); the canonical splice donor site of the intron after coding-DNA position 3597, one base deleted (G; older notation c.3597+1delG).
Molecular consequence: splice donor variant.
Genome position (GRCh38, 1-based): chr12:47,975,962, C deleted on the plus strand (G on the coding strand, the reverse complement: COL2A1 is on the minus strand). VCF-style (leftmost placement, unchanged base first): chr12-47975961-AC-A. GRCh37 (hg19) VCF-style: chr12-48369744-AC-A.
Other names: c.3390+1del (NM_033150.3).
Identifiers: ClinVar variation 4294083 (VCV004294083.1).